The following is an entry in ClinVar:

ClinVar aggregate classification (germline): no classifications from unflagged records (0 of 4 stars; one submission).

Conditions:
Neurodevelopmental disorder with microcephaly, ataxia, and seizures. Identifiers: MedGen C4540188, MONDO:0060577, OMIM 617709.

Submission:

OMIM
Classification: Pathogenic for NEURODEVELOPMENTAL DISORDER WITH MICROCEPHALY, ATAXIA, AND SEIZURES. Last evaluated: 2022-07-01. Review status: flagged submission. Collection method: literature only. Allele origin: germline.
ClinVar note: Notes: Flagging candidate with reason of insufficient supporting evidence. This gene has been classified as having a limited gene-disease relationship by a ClinGen Expert Panel.
ClinVar note: Reason: Other

Literature cited by the submitters: PubMed 28236339.

NM_006513.4(SARS1):c.514G>A (p.Asp172Asn)

Gene: SARS1 (seryl-tRNA synthetase 1; plus strand). Cytogenetic location: 1p13.3.
Variant type: single nucleotide variant.
Coding change: c.514G>A on transcript NM_006513.4 (MANE Select); coding-DNA position 514, G replaced by A.
Protein change: p.Asp172Asn; replaces aspartic acid 172 with asparagine.
Molecular consequence: missense variant.
Genome position (GRCh38, 1-based): chr1:109,230,944, G>A. VCF-style: chr1-109230944-G-A. GRCh37 (hg19) VCF-style: chr1-109773566-G-A.
Other names: c.514G>A, p.Asp172Asn (NM_001330669.1); short protein forms D172N.
Identifiers: ClinVar variation 440921 (VCV000440921.3), dbSNP rs1553178049, ClinGen allele CA341505125.